The following is an entry in ClinVar:

NM_003235.5(TG):c.3494A>G (p.Tyr1165Cys)

Gene: TG (thyroglobulin; plus strand). Cytogenetic location: 8q24.22.
Variant type: single nucleotide variant.
Coding change: c.3494A>G on transcript NM_003235.5 (MANE Select); coding-DNA position 3494, A replaced by G.
Protein change: p.Tyr1165Cys; replaces tyrosine 1165 with cysteine.
Molecular consequence: missense variant.
Genome position (GRCh38, 1-based): chr8:132,901,413, A>G. VCF-style: chr8-132901413-A-G. GRCh37 (hg19) VCF-style: chr8-133913658-A-G.
Other names: short protein forms Y1165C.
Identifiers: ClinVar variation 786123 (VCV000786123.12), dbSNP rs61746583, ClinGen allele CA4883764.

ClinVar aggregate classification (germline): Benign. Review status: criteria provided, multiple submitters, no conflicts (2 of 4 stars). 3 submissions from 3 submitters: Benign (3). Last evaluated 2026-01-31.

Conditions:
Iodotyrosyl coupling defect (TDH3). Also called: HYPOTHYROIDISM, CONGENITAL, DUE TO DYSHORMONOGENESIS, 3; THYROID HORMONOGENESIS, GENETIC DEFECT IN, 3. Identifiers: Orphanet 95716, MedGen C0342194, MONDO:0010135, OMIM 274700.

Allele frequency attached by ClinVar (database versions not stated): ExAC 0.00490; gnomAD 0.01252 and 0.01329; ESP Exome Variant Server 0.01322; TOPMed 0.01398; 1000 Genomes Project 0.01717; 1000 Genomes Project 30x 0.01968; gnomAD exomes 0.00387.
gnomAD v4.1: 3,781 of 1,614,220 alleles (0.23%); highest among the groups gnomAD compares: African/African-American, 4.4%; 65 homozygotes.

Submissions (3):

Labcorp Genetics (formerly Invitae), Labcorp
Classification: Benign. Last evaluated: 2026-01-31. Review status: criteria provided, single submitter. Criteria: Invitae Variant Classification Sherloc (09022015). Collection method: clinical testing. Allele origin: germline.

Illumina Laboratory Services, Illumina
Classification: Benign for Iodotyrosyl coupling defect. Last evaluated: 2017-09-26. Review status: criteria provided, single submitter. Criteria: ICSL Variant Classification Criteria 13 December 2019. Collection method: clinical testing. Allele origin: germline.
Comment: This variant was observed as part of a predisposition screen in an ostensibly healthy population. A literature search was performed for the gene, cDNA change, and amino acid change (where applicable). No publications were found based on this search. Allele frequency data from public databases was too high to be consistent with this variant causing disease. Therefore, this variant is classified as benign.

Breakthrough Genomics
Classification: Benign. Review status: criteria provided, single submitter. Criteria: ACMG Guidelines, 2015. Collection method: not provided. Allele origin: germline. Inheritance: Autosomal recessive inheritance. Affected: yes.